The following is an entry in ClinVar:

NM_001164508.2(NEB):c.20456G>A (p.Arg6819Gln)

Gene: NEB (nebulin; minus strand). Cytogenetic location: 2q23.3.
Variant type: single nucleotide variant.
Coding change: c.20456G>A on transcript NM_001164508.2 (MANE Select); coding-DNA position 20456, G replaced by A.
Protein change: p.Arg6819Gln; replaces arginine 6819 with glutamine.
Molecular consequence: missense variant.
Genome position (GRCh38, 1-based): chr2:151,546,355, C>T on the plus strand (G>A on the coding strand, the complement: NEB is on the minus strand). VCF-style: chr2-151546355-C-T. GRCh37 (hg19) VCF-style: chr2-152402869-C-T.
Other names: c.20456G>A, p.Arg6819Gln (NM_001164507.2, NM_001271208.2); c.15353G>A, p.Arg5118Gln (NM_004543.5); short protein forms R5118Q, R6819Q.
Identifiers: ClinVar variation 1806131 (VCV001806131.25), dbSNP rs1002994666, ClinGen allele CA57642924.

ClinVar aggregate classification (germline): Uncertain significance. Review status: criteria provided, multiple submitters, no conflicts (2 of 4 stars). 4 submissions from 4 submitters: Uncertain significance (4). Last evaluated 2024-05-01.

Conditions:
Nemaline myopathy 2 (NEM2). Also called: Nemaline myopathy 2, autosomal recessive. Identifiers: MedGen C1850569, MONDO:0009725, OMIM 256030.

Allele frequency attached by ClinVar (database versions not stated): gnomAD exomes 0.00001; TOPMed 0.00001.
gnomAD v4.1: 9 of 1,611,982 alleles (0.00056%); highest among the groups gnomAD compares: South Asian, 0.0011%; no homozygotes.

Submissions (4):

CeGaT Center for Human Genetics Tuebingen
Classification: Uncertain significance. Last evaluated: 2024-05-01. Review status: criteria provided, single submitter. Criteria: CeGaT Center For Human Genetics Tuebingen Variant Classification Criteria Version 2. Collection method: clinical testing. Allele origin: germline. Affected: yes. Observed: 1 variant allele.
Comment: NEB: PM2, BP4

Revvity Omics, Revvity
Classification: Uncertain significance. Last evaluated: 2021-12-21. Review status: criteria provided, single submitter. Criteria: ACMG Guidelines, 2015. Collection method: clinical testing. Allele origin: germline.

Labcorp Genetics (formerly Invitae), Labcorp
Classification: Uncertain significance for Nemaline myopathy 2. Last evaluated: 2021-08-31. Review status: criteria provided, single submitter. Criteria: Invitae Variant Classification Sherloc (09022015). Collection method: clinical testing. Allele origin: germline.
Comment: This sequence change replaces arginine with glutamine at codon 6819 of the NEB protein (p.Arg6819Gln). The arginine residue is moderately conserved and there is a small physicochemical difference between arginine and glutamine. This variant is not present in population databases (ExAC no frequency). This variant has not been reported in the literature in individuals affected with NEB-related conditions. Algorithms developed to predict the effect of missense changes on protein structure and function are either unavailable or do not agree on the potential impact of this missense change (SIFT: "Deleterious"; PolyPhen-2: "Not Available"; Align-GVGD: "Class C0"). Algorithms developed to predict the effect of sequence changes on RNA splicing suggest that this variant may create or strengthen a splice site. In summary, the available evidence is currently insufficient to determine the role of this variant in disease. Therefore, it has been classified as a Variant of Uncertain Significance.

Victorian Clinical Genetics Services, Murdoch Childrens Research Institute
Classification: Uncertain significance for Nemaline myopathy 2. Last evaluated: 2020-10-19. Review status: criteria provided, single submitter. Criteria: ACMG Guidelines, 2015. Collection method: clinical testing. Allele origin: germline. Affected: yes.
Comment: Based on the classification scheme VCGS_Germline_v1.3.3, this variant is classified as 3C-VUS. Following criteria are met: 0102 - Loss of function is a known mechanism of disease in this gene and is associated with nemaline myopathy (MIM#256030). (I) 0106 - This gene is associated with autosomal recessive disease. (I) 0200 - Variant is predicted to result in a missense amino acid change from arginine to glutamine. (I) 0251 - This variant is heterozygous. (I) 0304 - Variant is present in gnomAD (v2) <0.01 for a recessive condition (2 heterozygotes, 0 homozygotes). (SP) 0309 - An alternative amino acid change at the same position has been observed in gnomAD (v2) (2 heterozygotes, 0 homozygotes). (I) 0503 - Missense variant consistently predicted to be tolerated by multiple in silico tools or not conserved in placental mammals with a minor amino acid change. (SB) 0604 - Variant is not located in an established domain, motif, hotspot or informative constraint region. (I) 0705 - No comparable missense variants have previous evidence for pathogenicity. (I) 0807 - This variant has no previous evidence of pathogenicity. (I) 0905 - No published segregation evidence has been identified for this variant. (I) 1007 - No published functional evidence has been identified for this variant. (I) 1208 - Inheritance information for this variant is not currently available in this individual. (I) Legend: (SP) - Supporting pathogenic, (I) - Information, (SB) - Supporting benign